The following is an entry in ClinVar:

NM_005908.4(MANBA):c.2158-2A>G

Gene: MANBA (mannosidase beta; minus strand). Cytogenetic location: 4q24.
Variant type: single nucleotide variant.
Coding change: c.2158-2A>G on transcript NM_005908.4 (MANE Select); the canonical splice acceptor site of the intron before coding-DNA position 2158, A replaced by G.
Molecular consequence: splice acceptor variant.
Genome position (GRCh38, 1-based): chr4:102,635,047, T>C on the plus strand (A>G on the coding strand, the complement: MANBA is on the minus strand). VCF-style: chr4-102635047-T-C. GRCh37 (hg19) VCF-style: chr4-103556204-T-C.
Other names: IVS-AS, A-G, -2.
Identifiers: ClinVar variation 590928 (VCV000590928.11), dbSNP rs772852668, ClinGen allele CA3026681.

ClinVar aggregate classification (germline): Pathogenic. Review status: criteria provided, multiple submitters, no conflicts (2 of 4 stars). 7 submissions from 7 submitters: Pathogenic (4). 3 of the submissions do not count toward it. Last evaluated 2024-06-14.

Conditions:
Beta-D-mannosidosis (MANSB). Also called: Beta-Mannosidosis; MANNOSIDOSIS, BETA A, LYSOSOMAL; BETA-MANNOSIDASE DEFICIENCY; LYSOSOMAL BETA-MANNOSIDASE DEFICIENCY. Identifiers: Orphanet 118, MedGen C4048196, MONDO:0009562, OMIM 248510.
Hearing impairment. Also called: Impaired Hearing. Identifiers: MedGen C1384666, MONDO:0005365, HP:0000365.

Allele frequency attached by ClinVar (database versions not stated): gnomAD exomes 0.00001 and 0.00002; TOPMed 0.00001; ExAC 0.00002.
gnomAD v4.1: 11 of 1,614,016 alleles (0.00068%); highest among the groups gnomAD compares: Admixed American, 0.005%; no homozygotes.

Submissions (8):

GeneDx
Classification: Pathogenic. Last evaluated: 2024-06-14. Review status: criteria provided, single submitter. Criteria: GeneDx Variant Classification Process June 2021. Collection method: clinical testing. Allele origin: germline. Affected: yes.
Comment: RNA studies demonstrate a damaging effect: this variant leads to aberrant splicing and the loss of exons 16 and 17 (PMID: 9384606); Not observed at significant frequency in large population cohorts (gnomAD); This variant is associated with the following publications: (PMID: 25525159, 31589614, 22369051, 33249554, 2079835, 9384606, 32847582, 30872814, 18565776)

Fulgent Genetics
Classification: Pathogenic for Beta-D-mannosidosis. Last evaluated: 2024-04-22. Review status: criteria provided, single submitter. Criteria: ACMG Guidelines, 2015. Collection method: clinical testing. Allele origin: germline.

Labcorp Genetics (formerly Invitae), Labcorp
Classification: Pathogenic for Beta-D-mannosidosis. Last evaluated: 2023-05-18. Review status: criteria provided, single submitter. Criteria: Invitae Variant Classification Sherloc (09022015). Collection method: clinical testing. Allele origin: germline.
Comment: For these reasons, this variant has been classified as Pathogenic. Studies have shown that disruption of this splice site is associated with altered splicing resulting in multiple RNA products (PMID: 9384606). ClinVar contains an entry for this variant (Variation ID: 590928). Disruption of this splice site has been observed in individual(s) with clinical features of beta-mannosidosis (PMID: 9384606, 30872814, 32847582). It has also been observed to segregate with disease in related individuals. This variant is present in population databases (rs772852668, gnomAD 0.01%). This sequence change affects an acceptor splice site in intron 15 of the MANBA gene. It is expected to disrupt RNA splicing. Variants that disrupt the donor or acceptor splice site typically lead to a loss of protein function (PMID: 16199547), and loss-of-function variants in MANBA are known to be pathogenic (PMID: 9384606, 12468273).

Women's Health and Genetics/Laboratory Corporation of America, LabCorp
Classification: Pathogenic for Beta-D-mannosidosis. Last evaluated: 2018-03-19. Review status: criteria provided, single submitter. Criteria: LabCorp Variant Classification Summary - May 2015. Collection method: clinical testing. Allele origin: germline.
Comment: Variant summary: MANBA c.2158-2A>G is located in a canonical splice-site and is predicted to affect mRNA splicing resulting in a significantly altered protein due to either exon skipping, shortening, or inclusion of intronic material. Several computational tools predict a significant impact on normal splicing: Five predict the variant abolishes a 3 acceptor site. At least one publication reports experimental evidence that this variant affects mRNA splicing (Alkhayat 1998). The variant allele was found at a frequency of 2.4e-05 in 245996 control chromosomes (gnomAD and publications). This frequency is not significantly higher than expected for a pathogenic variant in MANBA causing Beta-Mannosidosis (2.4e-05 vs 1.10e-03), allowing no conclusion about variant significance. c.2158-2A>G has been reported in the literature in individuals affected with Beta-Mannosidosis (Alkhayat 1998). These data indicate that the variant is likely to be associated with disease. No clinical diagnostic laboratories have submitted clinical-significance assessments for this variant to ClinVar after 2014. Based on the evidence outlined above, the variant was classified as pathogenic.

Center for Statistical Genetics, Columbia University
Classification: Pathogenic for Beta-D-mannosidosis. Last evaluated: 2018-10-08. Review status: no assertion criteria provided. Collection method: research. Allele origin: germline. Affected: yes. Not counted in ClinVar's aggregate classification.

OMIM
Classification: Pathogenic for BETA-MANNOSIDOSIS. Last evaluated: 1998-01-01. Review status: no assertion criteria provided. Collection method: literature only. Allele origin: germline. Not counted in ClinVar's aggregate classification.

Dr. Peter K. Rogan Lab, Western University
No classification provided (evidence only). Condition: Gastric cancer. Review status: no classification provided. Collection method: in vitro. Allele origin: not applicable. Functional consequence: retained intron. Not counted in ClinVar's aggregate classification.

University of Washington Center for Mendelian Genomics, University of Washington
Classification: Likely pathogenic for Hearing impairment. Review status: no assertion criteria provided. Collection method: research. Allele origin: inherited. Affected: yes. Not counted in ClinVar's aggregate classification.

Literature cited by the submitters: PubMed 9384606 (cited by 3 submitters); PubMed 30872814 (cited by 3 submitters); PubMed 32847582 (cited by Labcorp Genetics (formerly Invitae), Labcorp); PubMed 16199547 (cited by Labcorp Genetics (formerly Invitae), Labcorp); PubMed 12468273 (cited by Labcorp Genetics (formerly Invitae), Labcorp); PubMed 18565776 (cited by Women's Health and Genetics/Laboratory Corporation of America, LabCorp); PubMed 2079835 (cited by OMIM).